The following is an entry in ClinVar:

NM_000420.3(KEL):c.257G>A (p.Arg86Gln)

Gene: KEL (Kell metallo-endopeptidase (Kell blood group); minus strand). Cytogenetic location: 7q34.
Variant type: single nucleotide variant.
Coding change: c.257G>A on transcript NM_000420.3 (MANE Select); coding-DNA position 257, G replaced by A.
Protein change: p.Arg86Gln; replaces arginine 86 with glutamine.
Molecular consequence: missense variant.
Genome position (GRCh38, 1-based): chr7:142,961,071, C>T on the plus strand (G>A on the coding strand, the complement: KEL is on the minus strand). VCF-style: chr7-142961071-C-T. GRCh37 (hg19) VCF-style: chr7-142658158-C-T.
Other names: short protein forms R86Q.
Identifiers: ClinVar variation 1184988 (VCV001184988.2), dbSNP rs777011308, ClinGen allele CA4534649.

ClinVar aggregate classification (germline): Affects (0 of 4 stars; one submission).

Conditions:
Kell blood group system (KEL). Also called: BLOOD GROUP--KELL-CELLANO SYSTEM; K(0); Ko. Identifiers: MedGen C0022546, OMIM 110900.

Allele frequency attached by ClinVar (database versions not stated): gnomAD 0.00001; ExAC 0.00002; gnomAD exomes 0.00002; TOPMed 0.00002.
gnomAD v4.1: 28 of 1,613,950 alleles (0.0017%); highest among the groups gnomAD compares: South Asian, 0.0033%; no homozygotes.

Submission:

Australian Red Cross Blood Service
Classification: Affects for Kell blood group system. Last evaluated: 2021-07-01. Review status: no assertion criteria provided. Collection method: research. Allele origin: inherited. Inheritance: Codominant.
Comment: genotype K/k, phenotypes weak with anti-k. Predict this nucleotide substitution (c.257G>A) and resulting missense amino acid(p.R86Q)causes weakened k expression.